The following is an entry in ClinVar:

ClinVar aggregate classification (germline): Uncertain significance (1 of 4 stars; one submission).

Conditions:
Cohen syndrome (COH1). Also called: PEPPER SYNDROME; Cutis verticis gyrata, retinitis pigmentosa, and sensorineural deafness. Identifiers: Orphanet 193, MedGen C0265223, MONDO:0008999, OMIM 216550.

Submission:

Labcorp Genetics (formerly Invitae), Labcorp
Classification: Uncertain significance for Cohen syndrome. Last evaluated: 2022-07-14. Review status: criteria provided, single submitter. Criteria: Invitae Variant Classification Sherloc (09022015). Collection method: clinical testing. Allele origin: germline.
Comment: In summary, the available evidence is currently insufficient to determine the role of this variant in disease. Therefore, it has been classified as a Variant of Uncertain Significance. Algorithms developed to predict the effect of missense changes on protein structure and function are either unavailable or do not agree on the potential impact of this missense change (SIFT: "Not Available"; PolyPhen-2: "Probably Damaging"; Align-GVGD: "Not Available"). This variant has not been reported in the literature in individuals affected with VPS13B-related conditions. This variant is not present in population databases (gnomAD no frequency). This sequence change replaces alanine, which is neutral and non-polar, with proline, which is neutral and non-polar, at codon 1589 of the VPS13B protein (p.Ala1589Pro).

NM_152564.5(VPS13B):c.4690G>C (p.Ala1564Pro)

Gene: VPS13B (vacuolar protein sorting 13 homolog B; plus strand). Cytogenetic location: 8q22.2.
Variant type: single nucleotide variant.
Coding change: c.4690G>C on transcript NM_152564.5 (MANE Select); coding-DNA position 4690, G replaced by C.
Protein change: p.Ala1564Pro; replaces alanine 1564 with proline.
Molecular consequence: missense variant.
Genome position (GRCh38, 1-based): chr8:99,520,955, G>C. VCF-style: chr8-99520955-G-C. GRCh37 (hg19) VCF-style: chr8-100533183-G-C.
Other names: c.4765G>C, p.Ala1589Pro (NM_017890.5); short protein forms A1564P, A1589P.
Identifiers: ClinVar variation 1715981 (VCV001715981.5), dbSNP rs2490585784, ClinGen allele CA371866494.